The following is an entry in ClinVar:

NM_001830.4(CLCN4):c.1963A>G (p.Ile655Val)

Gene: CLCN4 (chloride voltage-gated channel 4; plus strand). Cytogenetic location: Xp22.2.
Variant type: single nucleotide variant.
Coding change: c.1963A>G on transcript NM_001830.4 (MANE Select); coding-DNA position 1963, A replaced by G.
Protein change: p.Ile655Val; replaces isoleucine 655 with valine.
Molecular consequence: missense variant.
Genome position (GRCh38, 1-based): chrX:10,214,067, A>G. VCF-style: chrX-10214067-A-G. GRCh37 (hg19) VCF-style: chrX-10182107-A-G.
Other names: c.1681A>G, p.Ile561Val (NM_001256944.2); short protein forms I655V, I561V.
Identifiers: ClinVar variation 409644 (VCV000409644.9), dbSNP rs1060502511, ClinGen allele CA16616399.
Genomic context (GRCh38, chrX:10,214,067, plus strand): 5'-CCCGTGGTGGTCTCCAGAGACTCCGAGCGCCTCATTGGATTTGCCCAGAGGAGGGAACTG[A>G]TTCTCGCAATAAGTGAGTAAAGAGAGGGAAGCTCACATTTTACCAAGAGCCGAATGGCAT-3'
Protein context (NP_001821.2, residues 645-665): LIGFAQRREL[Ile655Val]LAIKNARQRQ

ClinVar aggregate classification (germline): Uncertain significance (1 of 4 stars; one submission).

Allele frequency attached by ClinVar (database versions not stated): gnomAD exomes below 0.00001 and 0.00001; TOPMed 0.00003.
gnomAD v4.1: 1 of 1,170,099 alleles (0.000085%); highest among the groups gnomAD compares: Admixed American, 0.0025%; no homozygotes.

Submission:

Labcorp Genetics (formerly Invitae), Labcorp
Classification: Uncertain significance. Last evaluated: 2025-02-12. Review status: criteria provided, single submitter. Criteria: Invitae Variant Classification Sherloc (09022015). Collection method: clinical testing. Allele origin: germline.
Comment: This sequence change replaces isoleucine, which is neutral and non-polar, with valine, which is neutral and non-polar, at codon 655 of the CLCN4 protein (p.Ile655Val). This variant is present in population databases (no rsID available, gnomAD 0.005%). This missense change has been observed in individual(s) with CLCN4-related conditions (PMID: 36385166). ClinVar contains an entry for this variant (Variation ID: 409644). Invitae Evidence Modeling of protein sequence and biophysical properties (such as structural, functional, and spatial information, amino acid conservation, physicochemical variation, residue mobility, and thermodynamic stability) indicates that this missense variant is not expected to disrupt CLCN4 protein function with a negative predictive value of 95%. Experimental studies have shown that this missense change does not substantially affect CLCN4 function (PMID: 36385166). In summary, the available evidence is currently insufficient to determine the role of this variant in disease. Therefore, it has been classified as a Variant of Uncertain Significance.

Literature cited by the submitters: PubMed 36385166.